The following is an entry in ClinVar:

ClinVar aggregate classification (germline): Likely benign (1 of 4 stars; one submission).

Submission:

Women's Health and Genetics/Laboratory Corporation of America, LabCorp
Classification: Likely benign. Last evaluated: 2025-11-06. Review status: criteria provided, single submitter. Criteria: LabCorp Variant Classification Summary - May 2015. Collection method: clinical testing. Allele origin: germline.
Comment: Variant summary: MYH11 c.1270-11_1270-9delinsCCT alters a nucleotide located at a position not widely known to affect splicing. Consensus agreement among computation tools predict no significant impact on normal splicing. However, these predictions have yet to be confirmed by functional studies. The variant was absent in 281902 control chromosomes (gnomAD). The available data on variant occurrences in the general population are insufficient to allow any conclusion about variant significance. To our knowledge, no occurrence of c.1270-11_1270-9delinsCCT in individuals affected with MYH11-related conditions and no experimental evidence demonstrating its impact on protein function have been reported. No submitters have cited clinical-significance assessments for this variant to ClinVar. Based on the evidence outlined above, the variant was classified as likely benign.

NM_002474.3(MYH11):c.1249-11_1249-9delinsCCT

Gene: MYH11 (myosin heavy chain 11; minus strand). Cytogenetic location: 16p13.11.
Variant type: Indel.
Coding change: c.1249-11_1249-9delinsCCT on transcript NM_002474.3 (MANE Select); 11 bases into the intron before coding-DNA position 1249 through 9 bases into the intron before coding-DNA position 1249, GCC replaced by CCT.
Molecular consequence: intron variant.
Genome position (GRCh38, 1-based): chr16:15,759,737-15,759,739, GGC replaced by AGG on the plus strand (GCC replaced by CCT on the coding strand, the reverse complement: MYH11 is on the minus strand). VCF-style: chr16-15759737-GGC-AGG. GRCh37 (hg19) VCF-style: chr16-15853594-GGC-AGG.
Other names: c.1249-11_1249-9delinsCCT (NM_022844.3); c.1270-11_1270-9delinsCCT (NM_001040114.2, NM_001040113.2).
Identifiers: ClinVar variation 4537005 (VCV004537005.1).